The following is an entry in ClinVar:

NM_007294.4(BRCA1):c.4185+2684A>G

Gene: BRCA1 (BRCA1 DNA repair associated; minus strand). Cytogenetic location: 17q21.31.
Variant type: single nucleotide variant.
Coding change: c.4185+2684A>G on transcript NM_007294.4 (MANE Select); 2684 bases into the intron after coding-DNA position 4185, A replaced by G.
Molecular consequence: intron variant.
Genome position (GRCh38, 1-based): chr17:43,088,260, T>C on the plus strand (A>G on the coding strand, the complement: BRCA1 is on the minus strand). VCF-style: chr17-43088260-T-C. GRCh37 (hg19) VCF-style: chr17-41240277-T-C.
Other names: IVS 12+2684A>G; c.735+2684A>G (NM_001408458.1, NM_001408469.1, NM_001408453.1 and 11 more transcripts); c.3297+2684A>G (NM_001407967.1, NM_001407966.1); c.3804+2684A>G (NM_001407959.1, NM_001407963.1, NM_001407960.1); c.3918+2684A>G (NM_001407931.1, NM_001407932.1, NM_001407934.1 and 2 more transcripts); c.4041+2684A>G (NM_001407747.1, NM_001407848.1, NM_001407839.1 and 20 more transcripts); c.3801+2684A>G (NM_001407962.1); c.372+2684A>G (NM_001408512.1); and 42 more.
Identifiers: ClinVar variation 209427 (VCV000209427.2), dbSNP rs8176166, ClinGen allele CA276399.

ClinVar aggregate classification (germline): Benign (3 of 4 stars; one submission).

Conditions:
Breast-ovarian cancer, familial, susceptibility to, 1 (BROVCA1). Also called: BRCA1 Hereditary Breast and Ovarian Cancer; OVARIAN CANCER, SUSCEPTIBILITY TO. Identifiers: Orphanet 145, MedGen C2676676, MONDO:0011450, OMIM 604370. Disease mechanism: loss of function.

Allele frequency attached by ClinVar (database versions not stated): TOPMed 0.13690; gnomAD 0.13833 and 0.14338; 1000 Genomes Project 30x 0.16740; 1000 Genomes Project 0.17033.
gnomAD v4.1: 21,901 of 152,132 alleles (14%); highest among the groups gnomAD compares: South Asian, 31%; 1,776 homozygotes.

Submission:

Evidence-based Network for the Interpretation of Germline Mutant Alleles (ENIGMA)
Classification: Benign for Breast-ovarian cancer, familial 1. Last evaluated: 2015-01-12. Review status: reviewed by expert panel. Criteria: ENIGMA BRCA1/2 Classification Criteria (2015). Collection method: curation. Allele origin: germline.
Comment: Class 1 not pathogenic based on frequency >1% in an outbred sampleset. Frequency 0.07517 (Asian), 0.04878 (African), 0.1702 (European), derived from 1000 genomes (2012-04-30).